The following is an entry in ClinVar:

ClinVar aggregate classification (germline): Conflicting classifications of pathogenicity. Review status: criteria provided, conflicting classifications (1 of 4 stars). 2 submissions from 2 submitters: Uncertain significance (1); Likely benign (1). Last evaluated 2023-03-23.

Conditions:
Hereditary cancer-predisposing syndrome. Also called: Hereditary Cancer Syndrome; Tumor predisposition; Neoplastic Syndromes, Hereditary; Hereditary neoplastic syndrome. Identifiers: Orphanet 140162, MedGen C0027672, MeSH D009386, MONDO:0015356.

Allele frequency attached by ClinVar (database versions not stated): gnomAD 0.00001.

Submissions (2):

University of Washington Department of Laboratory Medicine, University of Washington
Classification: Likely benign for Hereditary cancer-predisposing syndrome. Last evaluated: 2023-03-23. Review status: criteria provided, single submitter. Criteria: Dines et al. (Genet Med. 2020). Collection method: curation. Allele origin: germline.
Comment: Missense variant in a coldspot region where missense variants are very unlikely to be pathogenic (PMID:31911673).

BRCA2 exon 11 coldspot. Reclassification based on statistical prior probability.

Quest Diagnostics Nichols Institute San Juan Capistrano
Classification: Uncertain significance. Last evaluated: 2021-01-06. Review status: criteria provided, single submitter. Criteria: Quest Diagnostics criteria. Collection method: clinical testing. Allele origin: unknown.

NM_000059.4(BRCA2):c.4714G>A (p.Ala1572Thr)

Gene: BRCA2 (BRCA2 DNA repair associated; plus strand). Cytogenetic location: 13q13.1.
Variant type: single nucleotide variant.
Coding change: c.4714G>A on transcript NM_000059.4 (MANE Select); coding-DNA position 4714, G replaced by A.
Protein change: p.Ala1572Thr; replaces alanine 1572 with threonine.
Molecular consequence: missense variant.
Genome position (GRCh38, 1-based): chr13:32,339,069, G>A. VCF-style: chr13-32339069-G-A. GRCh37 (hg19) VCF-style: chr13-32913206-G-A.
Other names: short protein forms A1572T.
Identifiers: ClinVar variation 1330056 (VCV001330056.3), dbSNP rs1266192644, ClinGen allele CA387782946.